The following is an entry in ClinVar:

NM_013450.4(BAZ2B):c.385T>G (p.Phe129Val)

Gene: BAZ2B (bromodomain adjacent to zinc finger domain 2B; minus strand). Cytogenetic location: 2q24.2.
Variant type: single nucleotide variant.
Coding change: c.385T>G on transcript NM_013450.4 (MANE Select); coding-DNA position 385, T replaced by G.
Protein change: p.Phe129Val; replaces phenylalanine 129 with valine.
Molecular consequence: missense variant.
Genome position (GRCh38, 1-based): chr2:159,448,359, A>C on the plus strand (T>G on the coding strand, the complement: BAZ2B is on the minus strand). VCF-style: chr2-159448359-A-C. GRCh37 (hg19) VCF-style: chr2-160304870-A-C.
Other names: c.379T>G, p.Phe127Val (NM_001289975.1); c.196T>G, p.Phe66Val (NM_001329857.2); c.385T>G, p.Phe129Val (NM_001329858.2); short protein forms F127V, F129V, F66V.
Identifiers: ClinVar variation 3366720 (VCV003366720.1).

ClinVar aggregate classification (germline): Uncertain significance (1 of 4 stars; one submission).

Submission:

Women's Health and Genetics/Laboratory Corporation of America, LabCorp
Classification: Uncertain significance. Last evaluated: 2024-08-19. Review status: criteria provided, single submitter. Criteria: LabCorp Variant Classification Summary - May 2015. Collection method: clinical testing. Allele origin: germline.
Comment: Variant summary: BAZ2B c.379T>G (p.Phe127Val) results in a non-conservative amino acid change in the encoded protein sequence. Three of five in-silico tools predict a benign effect of the variant on protein function. The variant was absent in 247388 control chromosomes. The available data on variant occurrences in the general population are insufficient to allow any conclusion about variant significance. To our knowledge, no occurrence of c.379T>G in individuals affected with BAZ2B-Related Disorders and no experimental evidence demonstrating its impact on protein function have been reported. No submitters have cited clinical-significance assessments for this variant to ClinVar. Based on the evidence outlined above, the variant was classified as uncertain significance.